The following is an entry in ClinVar:

NM_001040142.2(SCN2A):c.3923T>G (p.Leu1308Arg)

Gene: SCN2A (sodium voltage-gated channel alpha subunit 2; plus strand). Cytogenetic location: 2q24.3.
Variant type: single nucleotide variant.
Coding change: c.3923T>G on transcript NM_001040142.2 (MANE Select); coding-DNA position 3923, T replaced by G.
Protein change: p.Leu1308Arg; replaces leucine 1308 with arginine.
Molecular consequence: missense variant.
Genome position (GRCh38, 1-based): chr2:165,373,298, T>G. VCF-style: chr2-165373298-T-G. GRCh37 (hg19) VCF-style: chr2-166229808-T-G.
Other names: c.3923T>G, p.Leu1308Arg (NM_001040143.2, NM_001371246.1, NM_001371247.1 and 1 more transcripts); short protein forms L1308R.
Identifiers: ClinVar variation 2943920 (VCV002943920.3), dbSNP rs2468096229, ClinGen allele CA349029251.

ClinVar aggregate classification (germline): Uncertain significance (1 of 4 stars; one submission).

Conditions:
Seizures, benign familial infantile, 3 (BFIS3). Also called: CONVULSIONS, BENIGN FAMILIAL INFANTILE, 3; Familial neonatal seizures. Identifiers: Orphanet 140927, Orphanet 306, MedGen C1843140, MONDO:0011904, OMIM 607745.
Developmental and epileptic encephalopathy, 11 (DEE11). Also called: Early infantile epileptic encephalopathy 11. Identifiers: Orphanet 1934, MedGen C3150987, MONDO:0013388, OMIM 613721.

Submission:

Labcorp Genetics (formerly Invitae), Labcorp
Classification: Uncertain significance for Seizures, benign familial infantile, 3; Developmental and epileptic encephalopathy, 11. Last evaluated: 2024-02-16. Review status: criteria provided, single submitter. Criteria: Invitae Variant Classification Sherloc (09022015). Collection method: clinical testing. Allele origin: germline.
Comment: This sequence change replaces leucine, which is neutral and non-polar, with arginine, which is basic and polar, at codon 1308 of the SCN2A protein (p.Leu1308Arg). This variant is not present in population databases (gnomAD no frequency). This variant has not been reported in the literature in individuals affected with SCN2A-related conditions. Advanced modeling of protein sequence and biophysical properties (such as structural, functional, and spatial information, amino acid conservation, physicochemical variation, residue mobility, and thermodynamic stability) performed at Invitae indicates that this missense variant is expected to disrupt SCN2A protein function with a positive predictive value of 95%. In summary, the available evidence is currently insufficient to determine the role of this variant in disease. Therefore, it has been classified as a Variant of Uncertain Significance.